The following is an entry in ClinVar:

ClinVar aggregate classification (germline): Uncertain significance (1 of 4 stars; one submission).

Conditions:
Charcot-Marie-Tooth disease type 1C. Also called: CMT, SLOW NERVE CONDUCTION TYPE C; HMSN IC; Charcot-Marie-Tooth disease, type IC; CHARCOT-MARIE-TOOTH DISEASE, DEMYELINATING, TYPE 1C; CHARCOT-MARIE-TOOTH NEUROPATHY, TYPE 1C; NEUROPATHY, HEREDITARY MOTOR AND SENSORY, TYPE IC. Identifiers: Orphanet 101083, MedGen C0270913, MONDO:0010995, OMIM 601098.

Submission:

Labcorp Genetics (formerly Invitae), Labcorp
Classification: Uncertain significance for Charcot-Marie-Tooth disease type 1C. Last evaluated: 2023-10-13. Review status: criteria provided, single submitter. Criteria: Invitae Variant Classification Sherloc (09022015). Collection method: clinical testing. Allele origin: germline.
Comment: This sequence change replaces valine, which is neutral and non-polar, with leucine, which is neutral and non-polar, at codon 81 of the LITAF protein (p.Val81Leu). This variant is not present in population databases (gnomAD no frequency). This variant has not been reported in the literature in individuals affected with LITAF-related conditions. An algorithm developed to predict the effect of missense changes on protein structure and function (PolyPhen-2) suggests that this variant is likely to be tolerated. In summary, the available evidence is currently insufficient to determine the role of this variant in disease. Therefore, it has been classified as a Variant of Uncertain Significance.

NM_001136472.2(LITAF):c.241G>T (p.Val81Leu)

Gene: LITAF (lipopolysaccharide induced TNF factor; minus strand). Cytogenetic location: 16p13.13.
Variant type: single nucleotide variant.
Coding change: c.241G>T on transcript NM_001136472.2 (MANE Select); coding-DNA position 241, G replaced by T.
Protein change: p.Val81Leu; replaces valine 81 with leucine.
Molecular consequence: missense variant. On other transcripts: non-coding transcript variant (1).
Genome position (GRCh38, 1-based): chr16:11,553,669, C>A on the plus strand (G>T on the coding strand, the complement: LITAF is on the minus strand). VCF-style: chr16-11553669-C-A. GRCh37 (hg19) VCF-style: chr16-11647525-C-A.
Other names: c.241G>T, p.Val81Leu (NM_001136473.1, NM_004862.4); short protein forms V81L.
Identifiers: ClinVar variation 2839120 (VCV002839120.3), dbSNP rs201653834, ClinGen allele CA394766000.